The following is an entry in ClinVar:

NM_004076.5(CRYBB3):c.314G>A (p.Arg105Gln)

Gene: CRYBB3 (crystallin beta B3; plus strand). Cytogenetic location: 22q11.23.
Variant type: single nucleotide variant.
Coding change: c.314G>A on transcript NM_004076.5 (MANE Select); coding-DNA position 314, G replaced by A.
Protein change: p.Arg105Gln; replaces arginine 105 with glutamine.
Molecular consequence: missense variant.
Genome position (GRCh38, 1-based): chr22:25,203,882, G>A. VCF-style: chr22-25203882-G-A. GRCh37 (hg19) VCF-style: chr22-25599849-G-A.
Other names: short protein forms R105Q.
Identifiers: ClinVar variation 259228 (VCV000259228.19), dbSNP rs17670506, ClinGen allele CA10157741.
Genomic context (GRCh38, chr22:25,203,882, plus strand): 5'-ATTATCCTCGCTGGGATGCCTGGTCCAACAGCCGTGATAGTGACAGCCTTCTGTCCCTCC[G>A]GCCTCTGAATATTGTGAGTGTGGTTCCTGCTCACTTCTGGGTGTTCCTGGAAGCAGGGTG-3'
Protein context (NP_004067.1, residues 95-115): SRDSDSLLSL[Arg105Gln]PLNIDSPHHK

ClinVar aggregate classification (germline): Benign/Likely benign. Review status: criteria provided, multiple submitters, no conflicts (2 of 4 stars). 4 submissions from 4 submitters: Benign (3); Likely benign (1). Last evaluated 2026-01-19.

Conditions:
Cataract 22 multiple types. Also called: CATARACT 22, MULTIPLE TYPES, AUTOSOMAL DOMINANT; CATARACT 22, NUCLEAR, AUTOSOMAL RECESSIVE; Cataract 22. Identifiers: Orphanet 91492, MedGen C1857853, MONDO:0012336, OMIM 609741.

Allele frequency attached by ClinVar (database versions not stated): 1000 Genomes Project 0.02516; 1000 Genomes Project 30x 0.02733; ExAC 0.04253; gnomAD exomes 0.04292; gnomAD 0.04364 and 0.04579; TOPMed 0.04526; ESP Exome Variant Server 0.04644.

Submissions (20):

Labcorp Genetics (formerly Invitae), Labcorp
Classification: Benign for Cataract 22 multiple types. Last evaluated: 2026-01-19. Review status: criteria provided, single submitter. Criteria: Invitae Variant Classification Sherloc (09022015). Collection method: clinical testing. Allele origin: germline.

GeneDx
Classification: Benign. Last evaluated: 2018-09-22. Review status: criteria provided, single submitter. Criteria: GeneDx Variant Classification Process June 2021. Collection method: clinical testing. Allele origin: germline. Affected: yes.
Comment: This variant is associated with the following publications: (PMID: 27307692)

Breakthrough Genomics
Classification: Likely benign. Review status: criteria provided, single submitter. Criteria: ACMG Guidelines, 2015. Collection method: not provided. Allele origin: germline. Inheritance: Autosomal dominant inheritance. Affected: yes.

PreventionGenetics, part of Exact Sciences
Classification: Benign. Review status: criteria provided, single submitter. Criteria: ACMG Guidelines, 2015. Collection method: clinical testing. Allele origin: germline.

Dr. Peter K. Rogan Lab, Western University
No classification provided (evidence only). Condition: Colorectal cancer. Review status: no classification provided. Collection method: in vitro. Allele origin: not applicable. Functional consequence: retained intron. Not counted in ClinVar's aggregate classification.

Dr. Peter K. Rogan Lab, Western University
No classification provided (evidence only). Condition: Uterine corpus endometrial carcinoma. Review status: no classification provided. Collection method: in vitro. Allele origin: not applicable. Functional consequence: retained intron. Not counted in ClinVar's aggregate classification.

Dr. Peter K. Rogan Lab, Western University
No classification provided (evidence only). Condition: Hepatocellular carcinoma. Review status: no classification provided. Collection method: in vitro. Allele origin: not applicable. Functional consequence: retained intron. Not counted in ClinVar's aggregate classification.

Dr. Peter K. Rogan Lab, Western University
No classification provided (evidence only). Condition: Hepatocellular carcinoma. Review status: no classification provided. Collection method: in vitro. Allele origin: not applicable. Functional consequence: retained intron. Not counted in ClinVar's aggregate classification.

Dr. Peter K. Rogan Lab, Western University
No classification provided (evidence only). Condition: Hepatocellular carcinoma. Review status: no classification provided. Collection method: in vitro. Allele origin: not applicable. Functional consequence: retained intron. Not counted in ClinVar's aggregate classification.

Dr. Peter K. Rogan Lab, Western University
No classification provided (evidence only). Condition: Hepatocellular carcinoma. Review status: no classification provided. Collection method: in vitro. Allele origin: not applicable. Functional consequence: retained intron. Not counted in ClinVar's aggregate classification.

Dr. Peter K. Rogan Lab, Western University
No classification provided (evidence only). Condition: Hepatocellular carcinoma. Review status: no classification provided. Collection method: in vitro. Allele origin: not applicable. Functional consequence: retained intron. Not counted in ClinVar's aggregate classification.

Dr. Peter K. Rogan Lab, Western University
No classification provided (evidence only). Condition: Hepatocellular carcinoma. Review status: no classification provided. Collection method: in vitro. Allele origin: not applicable. Functional consequence: retained intron. Not counted in ClinVar's aggregate classification.

Dr. Peter K. Rogan Lab, Western University
No classification provided (evidence only). Condition: Hepatocellular carcinoma. Review status: no classification provided. Collection method: in vitro. Allele origin: not applicable. Functional consequence: retained intron. Not counted in ClinVar's aggregate classification.

Dr. Peter K. Rogan Lab, Western University
No classification provided (evidence only). Condition: Nonpapillary renal cell carcinoma. Review status: no classification provided. Collection method: in vitro. Allele origin: not applicable. Functional consequence: retained intron. Not counted in ClinVar's aggregate classification.

Dr. Peter K. Rogan Lab, Western University
No classification provided (evidence only). Condition: Nonpapillary renal cell carcinoma. Review status: no classification provided. Collection method: in vitro. Allele origin: not applicable. Functional consequence: retained intron. Not counted in ClinVar's aggregate classification.

Dr. Peter K. Rogan Lab, Western University
No classification provided (evidence only). Condition: Gastric cancer. Review status: no classification provided. Collection method: in vitro. Allele origin: not applicable. Functional consequence: retained intron. Not counted in ClinVar's aggregate classification.

Dr. Peter K. Rogan Lab, Western University
No classification provided (evidence only). Condition: Gastric cancer. Review status: no classification provided. Collection method: in vitro. Allele origin: not applicable. Functional consequence: retained intron. Not counted in ClinVar's aggregate classification.

Dr. Peter K. Rogan Lab, Western University
No classification provided (evidence only). Condition: Uterine carcinosarcoma. Review status: no classification provided. Collection method: in vitro. Allele origin: not applicable. Functional consequence: retained intron. Not counted in ClinVar's aggregate classification.

Dr. Peter K. Rogan Lab, Western University
No classification provided (evidence only). Condition: Malignant tumor of esophagus. Review status: no classification provided. Collection method: in vitro. Allele origin: not applicable. Functional consequence: retained intron. Not counted in ClinVar's aggregate classification.

Dr. Peter K. Rogan Lab, Western University
No classification provided (evidence only). Condition: Malignant tumor of esophagus. Review status: no classification provided. Collection method: in vitro. Allele origin: not applicable. Functional consequence: retained intron. Not counted in ClinVar's aggregate classification.